The following is an entry in ClinVar:

NM_001197104.2(KMT2A):c.1571A>G (p.Asn524Ser)

Gene: KMT2A (lysine methyltransferase 2A; plus strand). Cytogenetic location: 11q23.3.
Variant type: single nucleotide variant.
Coding change: c.1571A>G on transcript NM_001197104.2 (MANE Select); coding-DNA position 1571, A replaced by G.
Protein change: p.Asn524Ser; replaces asparagine 524 with serine.
Molecular consequence: missense variant.
Genome position (GRCh38, 1-based): chr11:118,472,730, A>G. VCF-style: chr11-118472730-A-G. GRCh37 (hg19) VCF-style: chr11-118343445-A-G.
Other names: c.1670A>G, p.Asn557Ser (NM_001412597.1); c.1571A>G, p.Asn524Ser (NM_005933.4); short protein forms N557S, N524S.
Identifiers: ClinVar variation 2897838 (VCV002897838.3), dbSNP rs782781212, ClinGen allele CA6303421.
Genomic context (GRCh38, chr11:118,472,730, plus strand): 5'-GCGATACCCCTGAAGTTCATCCTCCACTGCCCATTTCCCAGTCCCCAGAAAATGAGAGTA[A>G]TGATAGGAGAAGCAGAAGGTATTCAGTGTCGGAGAGAAGTTTTGGATCTAGAACGACGAA-3'
Protein context (NP_001184033.1, residues 514-534): PISQSPENES[Asn524Ser]DRRSRRYSVS

ClinVar aggregate classification (germline): Uncertain significance (1 of 4 stars; one submission).

Allele frequency attached by ClinVar (database versions not stated): ExAC 0.00003; gnomAD 0.00003; TOPMed 0.00003.
gnomAD v4.1: 17 of 1,613,624 alleles (0.0011%); highest among the groups gnomAD compares: East Asian, 0.038%; no homozygotes.

Submission:

Labcorp Genetics (formerly Invitae), Labcorp
Classification: Uncertain significance. Last evaluated: 2024-09-23. Review status: criteria provided, single submitter. Criteria: Invitae Variant Classification Sherloc (09022015). Collection method: clinical testing. Allele origin: germline.
Comment: This sequence change replaces asparagine, which is neutral and polar, with serine, which is neutral and polar, at codon 524 of the KMT2A protein (p.Asn524Ser). The frequency data for this variant in the population databases is considered unreliable, as metrics indicate poor data quality at this position in the gnomAD database. This variant has not been reported in the literature in individuals affected with KMT2A-related conditions. Invitae Evidence Modeling of protein sequence and biophysical properties (such as structural, functional, and spatial information, amino acid conservation, physicochemical variation, residue mobility, and thermodynamic stability) indicates that this missense variant is not expected to disrupt KMT2A protein function with a negative predictive value of 95%. In summary, the available evidence is currently insufficient to determine the role of this variant in disease. Therefore, it has been classified as a Variant of Uncertain Significance.